The following is an entry in ClinVar:

NM_001365088.1(SLC12A6):c.1235C>T (p.Ser412Leu)

Gene: SLC12A6 (solute carrier family 12 member 6; minus strand). Cytogenetic location: 15q14.
Variant type: single nucleotide variant.
Coding change: c.1235C>T on transcript NM_001365088.1 (MANE Select); coding-DNA position 1235, C replaced by T.
Protein change: p.Ser412Leu; replaces serine 412 with leucine.
Molecular consequence: missense variant.
Genome position (GRCh38, 1-based): chr15:34,252,268, G>A on the plus strand (C>T on the coding strand, the complement: SLC12A6 is on the minus strand). VCF-style: chr15-34252268-G-A. GRCh37 (hg19) VCF-style: chr15-34544469-G-A.
Other names: c.1058C>T, p.Ser353Leu (NM_001042494.2, NM_001042495.2); c.1208C>T, p.Ser403Leu (NM_001042496.2); c.1190C>T, p.Ser397Leu (NM_001042497.2); c.1082C>T, p.Ser361Leu (NM_005135.2); c.1235C>T, p.Ser412Leu (NM_133647.2); short protein forms S361L, S403L, S397L, S353L, S412L.
Identifiers: ClinVar variation 2198718 (VCV002198718.1), dbSNP rs184446692, ClinGen allele CA7464354.
Genomic context (GRCh38, chr15:34,252,268, plus strand): 5'-ATTGAAGTGACGTTATTGTGAACAAAGTATTCATCACAGGTGGCATTGAAAAATTGACTC[G>A]AGTTACAGAAGAATCCCCATAACTTTGATGGGACTGTCATGTTGTTAATTTCCTTGGTCT-3'
Protein context (NP_001352017.1, residues 402-422): PSKLWGFFCN[Ser412Leu]SQFFNATCDE

ClinVar aggregate classification (germline): Uncertain significance (1 of 4 stars; one submission).

Allele frequency attached by ClinVar (database versions not stated): gnomAD 0.00001; TOPMed 0.00001; ExAC 0.00002.

Submission:

Labcorp Genetics (formerly Invitae), Labcorp
Classification: Uncertain significance. Last evaluated: 2022-05-04. Review status: criteria provided, single submitter. Criteria: Invitae Variant Classification Sherloc (09022015). Collection method: clinical testing. Allele origin: germline.
Comment: This sequence change replaces serine, which is neutral and polar, with leucine, which is neutral and non-polar, at codon 412 of the SLC12A6 protein (p.Ser412Leu). This variant is present in population databases (rs184446692, gnomAD 0.004%). This variant has not been reported in the literature in individuals affected with SLC12A6-related conditions. Advanced modeling of protein sequence and biophysical properties (such as structural, functional, and spatial information, amino acid conservation, physicochemical variation, residue mobility, and thermodynamic stability) performed at Invitae indicates that this missense variant is not expected to disrupt SLC12A6 protein function. In summary, the available evidence is currently insufficient to determine the role of this variant in disease. Therefore, it has been classified as a Variant of Uncertain Significance.